The following is an entry in ClinVar:

NM_014363.6(SACS):c.9367C>T (p.Gln3123Ter)

Gene: SACS (sacsin molecular chaperone; minus strand). Cytogenetic location: 13q12.12.
Variant type: single nucleotide variant.
Coding change: c.9367C>T on transcript NM_014363.6 (MANE Select); coding-DNA position 9367, C replaced by T.
Protein change: p.Gln3123Ter; replaces glutamine 3123 with a stop codon.
Molecular consequence: nonsense.
Genome position (GRCh38, 1-based): chr13:23,334,509, G>A on the plus strand (C>T on the coding strand, the complement: SACS is on the minus strand). VCF-style: chr13-23334509-G-A. GRCh37 (hg19) VCF-style: chr13-23908648-G-A.
Other names: c.8926C>T, p.Gln2976Ter (NM_001278055.2); short protein forms Q2976*, Q3123*.
Identifiers: ClinVar variation 1376261 (VCV001376261.6), dbSNP rs2137584477, ClinGen allele CA387514596.
Genomic context (GRCh38, chr13:23,334,509, plus strand): 5'-CATCTTTAAAACAATAATCAACTAAAAGTTTTAAACTATGAAAAAGTTTTAGATTAGTCT[G>A]CTGCAGACGACAAGGCAGCTTCCCAATATGGCAATTAGTGTCAGGAGAGGAAAATGTCAT-3'

ClinVar aggregate classification (germline): Pathogenic (1 of 4 stars; one submission).

Conditions:
Spastic paraplegia. Identifiers: MedGen C0037772, HP:0001258.

Allele frequency attached by ClinVar (database versions not stated): gnomAD exomes below 0.00001.

Submission:

Labcorp Genetics (formerly Invitae), Labcorp
Classification: Pathogenic for Spastic paraplegia. Last evaluated: 2021-09-04. Review status: criteria provided, single submitter. Criteria: Invitae Variant Classification Sherloc (09022015). Collection method: clinical testing. Allele origin: germline.
Comment: This variant has not been reported in the literature in individuals affected with SACS-related conditions. This sequence change creates a premature translational stop signal (p.Gln3123*) in the SACS gene. While this is not anticipated to result in nonsense mediated decay, it is expected to disrupt the last 1457 amino acid(s) of the SACS protein. This variant is not present in population databases (ExAC no frequency). This variant disrupts a region of the SACS protein in which other variant(s) (p.Asn4549Asp) have been determined to be pathogenic (PMID: 15156359, 21507954). This suggests that this is a clinically significant region of the protein, and that variants that disrupt it are likely to be disease-causing. For these reasons, this variant has been classified as Pathogenic.

Literature cited by the submitters: PubMed 15156359; PubMed 21507954.